The following is an entry in ClinVar:

ClinVar aggregate classification (germline): Uncertain significance. Review status: criteria provided, multiple submitters, no conflicts (2 of 4 stars). 2 submissions from 2 submitters: Uncertain significance (2). Last evaluated 2023-11-22.

Conditions:
Isolated microphthalmia 5. Also called: Posterior Microphthalmia with Retinitis Pigmentosa, Foveoschisis, and Optic Disc Drusen. Identifiers: Orphanet 251279, MedGen C1970236, MONDO:0012605, OMIM 611040.

Allele frequency attached by ClinVar (database versions not stated): TOPMed 0.00001.

Submissions (2):

Blueprint Genetics
Classification: Uncertain significance. Last evaluated: 2023-11-22. Review status: criteria provided, single submitter. Criteria: ACMG Guidelines, 2015. Collection method: clinical testing. Allele origin: germline.

Labcorp Genetics (formerly Invitae), Labcorp
Classification: Uncertain significance for Isolated microphthalmia 5. Last evaluated: 2022-06-22. Review status: criteria provided, single submitter. Criteria: Invitae Variant Classification Sherloc (09022015). Collection method: clinical testing. Allele origin: germline.
Comment: In summary, the available evidence is currently insufficient to determine the role of this variant in disease. Therefore, it has been classified as a Variant of Uncertain Significance. Algorithms developed to predict the effect of missense changes on protein structure and function output the following: SIFT: "Deleterious"; PolyPhen-2: "Benign"; Align-GVGD: "Class C0". The serine amino acid residue is found in multiple mammalian species, which suggests that this missense change does not adversely affect protein function. ClinVar contains an entry for this variant (Variation ID: 834517). This variant has not been reported in the literature in individuals affected with MFRP-related conditions. This variant is present in population databases (rs145285193, gnomAD 0.006%). This sequence change replaces proline, which is neutral and non-polar, with serine, which is neutral and polar, at codon 166 of the MFRP protein (p.Pro166Ser).

NM_031433.4(MFRP):c.496C>T (p.Pro166Ser)

Genes: C1QTNF5 (C1q and TNF related 5; minus strand), MFRP (membrane frizzled-related protein; minus strand). Cytogenetic location: 11q23.3.
Variant type: single nucleotide variant.
Coding change: c.496C>T on transcript NM_031433.4 (MANE Select); coding-DNA position 496, C replaced by T.
Protein change: p.Pro166Ser; replaces proline 166 with serine.
Molecular consequence: missense variant. On other transcripts: 5 prime UTR variant (1).
Genome position (GRCh38, 1-based): chr11:119,345,565, G>A on the plus strand (C>T on the coding strand, the complement: MFRP is on the minus strand). VCF-style: chr11-119345565-G-A. GRCh37 (hg19) VCF-style: chr11-119216275-G-A.
Other names: c.-2141C>T (NM_015645.5); short protein forms P166S.
Identifiers: ClinVar variation 834517 (VCV000834517.11), dbSNP rs145285193, ClinGen allele CA6320530.